The following is an entry in ClinVar:

ClinVar aggregate classification (germline): Likely pathogenic (1 of 4 stars; one submission).

Submission:

Athena Diagnostics
Classification: Likely pathogenic. Last evaluated: 2020-01-15. Review status: criteria provided, single submitter. Criteria: Athena Diagnostics Criteria. Collection method: clinical testing. Allele origin: unknown.
Comment: The variant disrupts a cysteine residue in an EGF-like repeat domain, which is important for the structure of this protein. Therefore it is expected to severely affect the function of the protein. Not found in the total gnomAD dataset, and the data is high quality. Other pathogenic or likely pathogenic variants affect the same amino acid.

NM_000435.3(NOTCH3):c.430T>C (p.Cys144Arg)

Gene: NOTCH3 (notch receptor 3; minus strand). Cytogenetic location: 19p13.12.
Variant type: single nucleotide variant.
Coding change: c.430T>C on transcript NM_000435.3 (MANE Select); coding-DNA position 430, T replaced by C.
Protein change: p.Cys144Arg; replaces cysteine 144 with arginine.
Molecular consequence: missense variant.
Genome position (GRCh38, 1-based): chr19:15,192,209, A>G on the plus strand (T>C on the coding strand, the complement: NOTCH3 is on the minus strand). VCF-style: chr19-15192209-A-G. GRCh37 (hg19) VCF-style: chr19-15303020-A-G.
Other names: short protein forms C144R.
Identifiers: ClinVar variation 995327 (VCV000995327.1), dbSNP rs2046934287, ClinGen allele CA404534107.